The following is an entry in ClinVar:

ClinVar aggregate classification (germline): Likely benign (1 of 4 stars; one submission).

Allele frequency attached by ClinVar (database versions not stated): gnomAD exomes 0.00001; ESP Exome Variant Server 0.00073.
gnomAD v4.1: 6 of 1,543,478 alleles (0.00039%); highest among the groups gnomAD compares: East Asian, 0.0023%; no homozygotes.

Submission:

CeGaT Center for Human Genetics Tuebingen
Classification: Likely benign. Last evaluated: 2023-06-01. Review status: criteria provided, single submitter. Criteria: CeGaT Center For Human Genetics Tuebingen Variant Classification Criteria Version 2. Collection method: clinical testing. Allele origin: germline. Affected: yes. Observed: 1 variant allele.
Comment: OGFR: BP4, BP7

NM_007346.4(OGFR):c.1758G>A (p.Pro586=)

Gene: OGFR (opioid growth factor receptor; plus strand). Cytogenetic location: 20q13.33.
Variant type: single nucleotide variant.
Coding change: c.1758G>A on transcript NM_007346.4 (MANE Select); coding-DNA position 1758, G replaced by A.
Protein change: p.Pro586=; no amino-acid change (proline 586 retained).
Molecular consequence: synonymous variant.
Genome position (GRCh38, 1-based): chr20:62,813,373, G>A. VCF-style: chr20-62813373-G-A. GRCh37 (hg19) VCF-style: chr20-61444725-G-A.
Identifiers: ClinVar variation 2652503 (VCV002652503.24), dbSNP rs74520364, ClinGen allele CA317314787.